The following is an entry in ClinVar:

ClinVar aggregate classification (germline): Uncertain significance. Review status: criteria provided, multiple submitters, no conflicts (2 of 4 stars). 4 submissions from 4 submitters: Uncertain significance (4). Last evaluated 2023-12-23.

Conditions:
Wilson disease (WND). Also called: Wilson's disease. Identifiers: Orphanet 905, MedGen C0019202, MONDO:0010200, OMIM 277900. Disease mechanism: loss of function.

Allele frequency attached by ClinVar (database versions not stated): TOPMed below 0.00001; gnomAD 0.00001; gnomAD exomes 0.00003; ExAC 0.00006; 1000 Genomes Project 30x 0.00016; 1000 Genomes Project 0.00040.
gnomAD v4.1: 49 of 1,614,226 alleles (0.003%); highest among the groups gnomAD compares: South Asian, 0.027%; no homozygotes.

Submissions (4):

Fulgent Genetics
Classification: Uncertain significance for Wilson disease. Last evaluated: 2023-12-23. Review status: criteria provided, single submitter. Criteria: ACMG Guidelines, 2015. Collection method: clinical testing. Allele origin: germline.

All of Us Research Program, National Institutes of Health
Classification: Uncertain significance for Wilson disease. Last evaluated: 2023-08-08. Review status: criteria provided, single submitter. Criteria: ACMG Guidelines, 2015. Collection method: clinical testing. Allele origin: germline. Inheritance: Autosomal recessive inheritance. Observed: 1 variant allele, 1 heterozygote.
Comment: This missense variant replaces aspartic acid with asparagine at codon 1436 of the ATP7B protein. Computational prediction suggests that this variant may not impact protein structure and function (internally defined REVEL score threshold <= 0.5, PMID: 27666373). To our knowledge, functional studies have not been reported for this variant. This variant has not been reported in individuals affected with Wilson disease in the literature. This variant has been identified in 17/249516 chromosomes in the general population by the Genome Aggregation Database (gnomAD). The available evidence is insufficient to determine the role of this variant in disease conclusively. Therefore, this variant is classified as a Variant of Uncertain Significance.

This study involves interpretation of variants in research participants for the purpose of population health screening. Participant phenotype was not available at the time of variant classification. Additional details can be found in publication PMID: 35346344, PMCID: PMC8962531

Color Diagnostics, LLC DBA Color Health
Classification: Uncertain significance for Wilson disease. Last evaluated: 2022-05-20. Review status: criteria provided, single submitter. Criteria: ACMG Guidelines, 2015. Collection method: clinical testing. Allele origin: germline.
Comment: This missense variant replaces aspartic acid with asparagine at codon 1436 of the ATP7B protein. Computational prediction suggests that this variant may not impact protein structure and function. To our knowledge, functional studies have not been reported for this variant. This variant has not been reported in individuals affected with Wilson disease in the literature. This variant has been identified in 17/249516 chromosomes in the general population by the Genome Aggregation Database (gnomAD). The available evidence is insufficient to determine the role of this variant in disease conclusively. Therefore, this variant is classified as a Variant of Uncertain Significance.

Labcorp Genetics (formerly Invitae), Labcorp
Classification: Uncertain significance for Wilson disease. Last evaluated: 2022-05-03. Review status: criteria provided, single submitter. Criteria: Invitae Variant Classification Sherloc (09022015). Collection method: clinical testing. Allele origin: germline.
Comment: This sequence change replaces aspartic acid, which is acidic and polar, with asparagine, which is neutral and polar, at codon 1436 of the ATP7B protein (p.Asp1436Asn). This variant is present in population databases (rs148081616, gnomAD 0.04%). This variant has not been reported in the literature in individuals affected with ATP7B-related conditions. Advanced modeling of protein sequence and biophysical properties (such as structural, functional, and spatial information, amino acid conservation, physicochemical variation, residue mobility, and thermodynamic stability) performed at Invitae indicates that this missense variant is not expected to disrupt ATP7B protein function. In summary, the available evidence is currently insufficient to determine the role of this variant in disease. Therefore, it has been classified as a Variant of Uncertain Significance.

NM_000053.4(ATP7B):c.4306G>A (p.Asp1436Asn)

Gene: ATP7B (ATPase copper transporting beta; minus strand). Cytogenetic location: 13q14.3.
Variant type: single nucleotide variant.
Coding change: c.4306G>A on transcript NM_000053.4 (MANE Select); coding-DNA position 4306, G replaced by A.
Protein change: p.Asp1436Asn; replaces aspartic acid 1436 with asparagine.
Molecular consequence: missense variant.
Genome position (GRCh38, 1-based): chr13:51,934,848, C>T on the plus strand (G>A on the coding strand, the complement: ATP7B is on the minus strand). VCF-style: chr13-51934848-C-T. GRCh37 (hg19) VCF-style: chr13-52508984-C-T.
Other names: c.3685G>A, p.Asp1229Asn (NM_001005918.3); c.3973G>A, p.Asp1325Asn (NM_001243182.2); c.4072G>A, p.Asp1358Asn (NM_001330578.2, NM_001406527.1, NM_001406528.1); c.4054G>A, p.Asp1352Asn (NM_001330579.2, NM_001406531.1, NM_001406532.1); c.4306G>A, p.Asp1436Asn (NM_001406511.1, NM_001406512.1); c.4300G>A, p.Asp1434Asn (NM_001406513.1); c.4273G>A, p.Asp1425Asn (NM_001406514.1); c.4252G>A, p.Asp1418Asn (NM_001406515.1, NM_001406516.1); and 21 more; short protein forms D1209N, D1242N, D1272N, D1220N, D1229N, D1274N, D1375N, D1418N.
Identifiers: ClinVar variation 2148171 (VCV002148171.4), dbSNP rs148081616, ClinGen allele CA6988429.